The following is an entry in ClinVar:

NM_002361.4(MAG):c.452C>T (p.Ala151Val)

Gene: MAG (myelin associated glycoprotein; plus strand). Cytogenetic location: 19q13.12.
Variant type: single nucleotide variant.
Coding change: c.452C>T on transcript NM_002361.4 (MANE Select); coding-DNA position 452, C replaced by T.
Protein change: p.Ala151Val; replaces alanine 151 with valine.
Molecular consequence: missense variant.
Genome position (GRCh38, 1-based): chr19:35,299,590, C>T. VCF-style: chr19-35299590-C-T. GRCh37 (hg19) VCF-style: chr19-35790493-C-T.
Other names: p.Ala151Val; c.377C>T, p.Ala126Val (NM_001199216.2); c.452C>T, p.Ala151Val (NM_080600.3); short protein forms A151V, A126V.
Identifiers: ClinVar variation 424686 (VCV000424686.57), dbSNP rs144553163, ClinGen allele CA9376031.
Genomic context (GRCh38, chr19:35,299,590, plus strand): 5'-CCTCCCTTTCCCCGCCTCGTATAGACACCCCCAACATCGTGGTGCCCCCAGAGGTGGTGG[C>T]AGGCACGGAGGTGGAGGTCAGCTGCATGGTGCCGGACAACTGCCCAGAGCTGCGCCCTGA-3'
Protein context (NP_002352.1, residues 141-161): PNIVVPPEVV[Ala151Val]GTEVEVSCMV

ClinVar aggregate classification (germline): Conflicting classifications of pathogenicity. Review status: criteria provided, conflicting classifications (1 of 4 stars). 5 submissions from 5 submitters: Uncertain significance (1); Benign (1); Likely benign (2). 1 of the submissions does not count toward it. Last evaluated 2026-01-19.

Conditions:
MAG-related disorder. Also called: MAG-related condition.
Hereditary spastic paraplegia 75. Also called: Spastic paraplegia 75, autosomal recessive. Identifiers: Orphanet 459056, MedGen C4225250, MONDO:0014729, OMIM 616680.
Hereditary spastic paraplegia. Also called: Familial spastic paraparesis. Identifiers: Orphanet 685, MedGen C0037773, MONDO:0019064. Disease mechanism: loss of function.

Allele frequency attached by ClinVar (database versions not stated): 1000 Genomes Project 30x 0.00219; 1000 Genomes Project 0.00240; gnomAD exomes 0.00368 and 0.00549; ESP Exome Variant Server 0.00369; gnomAD 0.00387 and 0.00403; TOPMed 0.00398; ExAC 0.00444.

Submissions (6):

Labcorp Genetics (formerly Invitae), Labcorp
Classification: Likely benign for Hereditary spastic paraplegia 75. Last evaluated: 2026-01-19. Review status: criteria provided, single submitter. Criteria: Invitae Variant Classification Sherloc (09022015). Collection method: clinical testing. Allele origin: germline.

Mayo Clinic Laboratories, Mayo Clinic
Classification: Benign. Last evaluated: 2024-06-04. Review status: criteria provided, single submitter. Criteria: ACMG Guidelines, 2015. Collection method: clinical testing. Allele origin: germline. Observed: 6 variant alleles.
Comment: BS1, BS2

CeGaT Center for Human Genetics Tuebingen
Classification: Likely benign. Last evaluated: 2023-08-01. Review status: criteria provided, single submitter. Criteria: CeGaT Center For Human Genetics Tuebingen Variant Classification Criteria Version 2. Collection method: clinical testing. Allele origin: germline. Affected: yes. Observed: 9 variant alleles.
Comment: MAG: BS1

Unit for Genetic & Epidemiological Research on Neurological Disorders, Instituto de Investigação e Inovação em Saúde
Classification: Uncertain significance for Hereditary spastic paraplegia. Last evaluated: 2017-03-07. Review status: criteria provided, single submitter. Criteria: Morais et al. (Eur J Hum Genet. 2017). Collection method: research. Allele origin: unknown. Affected: yes. Observed: 2 variant alleles.

PreventionGenetics, part of Exact Sciences
Classification: Likely benign for MAG-related condition. Last evaluated: 2021-02-19. Review status: no assertion criteria provided. Collection method: clinical testing. Allele origin: germline. Not counted in ClinVar's aggregate classification.
Comment: This variant is classified as likely benign based on ACMG/AMP sequence variant interpretation guidelines (Richards et al. 2015 PMID: 25741868, with internal and published modifications).

Dr. Peter K. Rogan Lab, Western University
No classification provided (evidence only). Condition: Nonpapillary renal cell carcinoma. Review status: no classification provided. Collection method: in vitro. Allele origin: not applicable. Functional consequence: retained intron. Not counted in ClinVar's aggregate classification.

Literature cited by the submitters: PubMed 31402626 (cited by Mayo Clinic Laboratories, Mayo Clinic); PubMed 32629324 (cited by Mayo Clinic Laboratories, Mayo Clinic); PubMed 34426522 (cited by Mayo Clinic Laboratories, Mayo Clinic).